The following is an entry in ClinVar:

NM_000543.5(SMPD1):c.319-5T>C

Gene: SMPD1 (sphingomyelin phosphodiesterase 1; plus strand). Cytogenetic location: 11p15.4.
Variant type: single nucleotide variant.
Coding change: c.319-5T>C on transcript NM_000543.5 (MANE Select); 5 bases into the intron before coding-DNA position 319, T replaced by C.
Molecular consequence: intron variant.
Genome position (GRCh38, 1-based): chr11:6,391,379, T>C. VCF-style: chr11-6391379-T-C. GRCh37 (hg19) VCF-style: chr11-6412609-T-C.
Other names: c.319-5T>C (NM_000543.4, NM_001365135.2, NM_001318087.2); c.-643-5T>C (NM_001318088.2); c.319-8T>C (NM_001007593.3).
Identifiers: ClinVar variation 497622 (VCV000497622.14), dbSNP rs958654789, ClinGen allele CA658797586.

ClinVar aggregate classification (germline): Conflicting classifications of pathogenicity. Review status: criteria provided, conflicting classifications (1 of 4 stars). 3 submissions from 3 submitters: Uncertain significance (1); Likely benign (1). 1 of the submissions does not count toward it. Last evaluated 2023-09-18.

Conditions:
SMPD1-related disorder. Also called: SMPD1-related condition.
Niemann-Pick disease, type A. Also called: Infantile Neurovisceral ASMD (Niemann-Pick Disease Type A; NPD-A); SPHINGOMYELIN LIPIDOSIS; SPHINGOMYELINASE DEFICIENCY. Identifiers: Orphanet 77292, MedGen C0268242, MONDO:0009756, OMIM 257200. Disease mechanism: loss of function.
Niemann-Pick disease, type B. Also called: Chronic Visceral ASMD (Niemann-Pick Disease Type B; NPD-B). Identifiers: Orphanet 77293, MedGen C0268243, MONDO:0011871, OMIM 607616. Disease mechanism: loss of function.

Allele frequency attached by ClinVar (database versions not stated): gnomAD 0.00001; TOPMed 0.00003.

Submissions (3):

Labcorp Genetics (formerly Invitae), Labcorp
Classification: Likely benign for Niemann-Pick disease, type B; Niemann-Pick disease, type A. Last evaluated: 2023-09-18. Review status: criteria provided, single submitter. Criteria: Invitae Variant Classification Sherloc (09022015). Collection method: clinical testing. Allele origin: germline.

Eurofins Ntd Llc (ga)
Classification: Uncertain significance. Last evaluated: 2016-09-27. Review status: criteria provided, single submitter. Criteria: EGL Classification Definitions 2015. Collection method: clinical testing. Allele origin: germline. Observed: 1 variant allele, 1 heterozygote.

PreventionGenetics, part of Exact Sciences
Classification: Likely benign for SMPD1-related condition. Last evaluated: 2021-08-31. Review status: no assertion criteria provided. Collection method: clinical testing. Allele origin: germline. Not counted in ClinVar's aggregate classification.
Comment: This variant is classified as likely benign based on ACMG/AMP sequence variant interpretation guidelines (Richards et al. 2015 PMID: 25741868, with internal and published modifications).